The following is an entry in ClinVar:

NM_001287491.2(TET3):c.3818A>G (p.Asn1273Ser)

Gene: TET3 (tet methylcytosine dioxygenase 3; plus strand). Cytogenetic location: 2p13.1.
Variant type: single nucleotide variant.
Coding change: c.3818A>G on transcript NM_001287491.2 (MANE Select); coding-DNA position 3818, A replaced by G.
Protein change: p.Asn1273Ser; replaces asparagine 1273 with serine.
Molecular consequence: missense variant.
Genome position (GRCh38, 1-based): chr2:74,100,606, A>G. VCF-style: chr2-74100606-A-G. GRCh37 (hg19) VCF-style: chr2-74327733-A-G.
Other names: c.3539A>G, p.Asn1180Ser (NM_001366022.1); short protein forms N1180S, N1273S.
Identifiers: ClinVar variation 3377410 (VCV003377410.1).

ClinVar aggregate classification (germline): Uncertain significance (1 of 4 stars; one submission).

Conditions:
Neurodevelopmental disorder. Identifiers: MedGen C1535926, MeSH D065886, MONDO:0700092.

gnomAD v4.1: 10 of 1,613,910 alleles (0.00062%); highest among the groups gnomAD compares: Non-Finnish European, 0.00085%; no homozygotes.

Submission:

Victorian Clinical Genetics Services, Murdoch Childrens Research Institute
Classification: Uncertain significance for Neurodevelopmental disorder. Last evaluated: 2020-06-11. Review status: criteria provided, single submitter. Criteria: ACMG Guidelines, 2015. Collection method: clinical testing. Allele origin: germline. Affected: yes.
Comment: Based on the classification scheme VCGS_Germline_v1.1.1, this variant is classified as 3B-VUS. Following criteria are met: 0102 - Loss-of-function is a known mechanism of disease for this gene. (N) 0108 - This gene is known to be associated with both recessive and dominant disease. (N) 0200 - Variant is predicted to result in a missense amino acid change from asparagine to serine (exon 11). (N) 0251 - Variant is heterozygous. (N) 0302 - Variant is present in gnomAD <0.001 (1 heterozygote, 0 homozygotes). (P) 0309 - An alternative amino acid change at the same position has been observed in gnomAD (3 heterozygotes, 0 homozygotes). (N) 0502 - Missense variant with conflicting in-silico predictions and/or uninformative conservation. (N) 0600 - Variant is located in an annotated domain or motif (Catalytic dioxygenase domain; PMID: 31928709) (N) 0705 - No comparable variants have previous evidence for pathogenicity. (N) 0807 - Variant has not previously been reported in a clinical context. (N) 0905 - No segregation evidence has been identified for this variant. (N) 1007 - No published functional evidence has been identified for this variant. (N) Legend: (P) - Pathogenic, (N) - Neutral, (B) - Benign

Literature cited by the submitters: PubMed 31928709.